The following is an entry in ClinVar:

ClinVar aggregate classification (germline): Uncertain significance (1 of 4 stars; one submission).

Allele frequency attached by ClinVar (database versions not stated): gnomAD exomes below 0.00001; ExAC 0.00001; gnomAD 0.00001.
gnomAD v4.1: 5 of 1,608,534 alleles (0.00031%); highest among the groups gnomAD compares: Admixed American, 0.0017%; no homozygotes.

Submission:

Labcorp Genetics (formerly Invitae), Labcorp
Classification: Uncertain significance. Last evaluated: 2022-11-08. Review status: criteria provided, single submitter. Criteria: Invitae Variant Classification Sherloc (09022015). Collection method: clinical testing. Allele origin: germline.
Comment: In summary, the available evidence is currently insufficient to determine the role of this variant in disease. Therefore, it has been classified as a Variant of Uncertain Significance. Advanced modeling of protein sequence and biophysical properties (such as structural, functional, and spatial information, amino acid conservation, physicochemical variation, residue mobility, and thermodynamic stability) has been performed at Invitae for this missense variant, however the output from this modeling did not meet the statistical confidence thresholds required to predict the impact of this variant on VPS13C protein function. ClinVar contains an entry for this variant (Variation ID: 1515092). This variant has not been reported in the literature in individuals affected with VPS13C-related conditions. This variant is present in population databases (rs778045113, gnomAD 0.004%). This sequence change replaces arginine, which is basic and polar, with glutamine, which is neutral and polar, at codon 454 of the VPS13C protein (p.Arg454Gln).

NM_020821.3(VPS13C):c.1361G>A (p.Arg454Gln)

Gene: VPS13C (vacuolar protein sorting 13 homolog C; minus strand). Cytogenetic location: 15q22.2.
Variant type: single nucleotide variant.
Coding change: c.1361G>A on transcript NM_020821.3 (MANE Select); coding-DNA position 1361, G replaced by A.
Protein change: p.Arg454Gln; replaces arginine 454 with glutamine.
Molecular consequence: missense variant.
Genome position (GRCh38, 1-based): chr15:61,991,795, C>T on the plus strand (G>A on the coding strand, the complement: VPS13C is on the minus strand). VCF-style: chr15-61991795-C-T. GRCh37 (hg19) VCF-style: chr15-62283994-C-T.
Other names: c.1361G>A, p.Arg454Gln (NM_001018088.3); c.1232G>A, p.Arg411Gln (NM_017684.5, NM_018080.4); short protein forms R411Q, R454Q.
Identifiers: ClinVar variation 1515092 (VCV001515092.8), dbSNP rs778045113, ClinGen allele CA7597066.
Genomic context (GRCh38, chr15:61,991,795, plus strand): 5'-AACCAGCCTCCACGTTTCTCGCCTGTGTCAGCAGACTTTTTCCTTAATTTTTGCCCAGAC[C>T]GAATCACCTGAAAAATAAAAATTAAAAAATTTACTTTAAGAATGTTGCCCTCTTCATTTT-3'
Protein context (NP_065872.1, residues 444-464): ARQQAQVEVI[Arg454Gln]SGQKLRKKSA